The following is an entry in ClinVar:

NM_000127.3(EXT1):c.787del (p.Met263fs)

Gene: EXT1 (exostosin glycosyltransferase 1; minus strand). Cytogenetic location: 8q24.11.
Variant type: Deletion.
Coding change: c.787del on transcript NM_000127.3 (MANE Select); coding-DNA position 787, one base deleted (A; older notation c.787delA).
Protein change: p.Met263fs; shifts the reading frame from methionine 263.
Molecular consequence: frameshift variant.
Genome position (GRCh38, 1-based): chr8:118,110,260, T deleted on the plus strand (A on the coding strand, the reverse complement: EXT1 is on the minus strand). VCF-style (leftmost placement, unchanged base first): chr8-118110259-AT-A. GRCh37 (hg19) VCF-style: chr8-119122498-AT-A.
Other names: short protein forms M263fs.
Identifiers: ClinVar variation 1451424 (VCV001451424.6), dbSNP rs2130041790, ClinGen allele CA2573142823.

ClinVar aggregate classification (germline): Pathogenic (1 of 4 stars; one submission).

Conditions:
Multiple congenital exostosis (EXT). Also called: MULTIPLE CARTILAGINOUS EXOSTOSES; Hereditary multiple exostoses; Hereditary multiple exostosis; Multiple exostoses; Multiple osteochondromas; Hereditary multiple osteochondromas. Identifiers: Orphanet 321, MedGen C0015306, MONDO:0005508, HP:0002762.

Submission:

Labcorp Genetics (formerly Invitae), Labcorp
Classification: Pathogenic for Multiple congenital exostosis. Last evaluated: 2021-09-09. Review status: criteria provided, single submitter. Criteria: Invitae Variant Classification Sherloc (09022015). Collection method: clinical testing. Allele origin: germline.
Comment: For these reasons, this variant has been classified as Pathogenic. This variant has not been reported in the literature in individuals affected with EXT1-related conditions. This variant is not present in population databases (ExAC no frequency). This sequence change creates a premature translational stop signal (p.Met263Cysfs*10) in the EXT1 gene. It is expected to result in an absent or disrupted protein product. Loss-of-function variants in EXT1 are known to be pathogenic (PMID: 10679937, 11391482, 19810120).

Literature cited by the submitters: PubMed 10679937; PubMed 11391482; PubMed 19810120.